The following is an entry in ClinVar:

NM_000550.3(TYRP1):c.520G>T (p.Gly174Cys)

Gene: TYRP1 (tyrosinase related protein 1; plus strand). Cytogenetic location: 9p23.
Variant type: single nucleotide variant.
Coding change: c.520G>T on transcript NM_000550.3 (MANE Select); coding-DNA position 520, G replaced by T.
Protein change: p.Gly174Cys; replaces glycine 174 with cysteine.
Molecular consequence: missense variant.
Genome position (GRCh38, 1-based): chr9:12,695,649, G>T. VCF-style: chr9-12695649-G-T. GRCh37 (hg19) VCF-style: chr9-12695649-G-T.
Other names: short protein forms G174C.
Identifiers: ClinVar variation 1415227 (VCV001415227.6), dbSNP rs78071458, ClinGen allele CA4985247.

ClinVar aggregate classification (germline): Uncertain significance. Review status: criteria provided, multiple submitters, no conflicts (2 of 4 stars). 2 submissions from 2 submitters: Uncertain significance (2). Last evaluated 2024-02-16.

Conditions:
Oculocutaneous albinism type 3 (OCA3). Also called: ALBINISM III; RUFOUS OCULOCUTANEOUS ALBINISM; XANTHISM; Albinism, oculocutaneous, type III; Rufous OCA; Rufous albinism. Identifiers: Orphanet 79433, MedGen C0342683, MONDO:0008747, OMIM 203290.
MELANESIAN BLOND HAIR (SHEP11). Also called: SKIN/HAIR/EYE PIGMENTATION 11, BLUE/NONBLUE EYES; Skin/hair/eye pigmentation, variation in, 11. Identifiers: MedGen C2677086, OMIM 612271.

Allele frequency attached by ClinVar (database versions not stated): ExAC 0.00001; gnomAD exomes 0.00001 and 0.00002; TOPMed 0.00003; gnomAD 0.00005 and 0.00006; ESP Exome Variant Server 0.00008.
gnomAD v4.1: 41 of 1,613,976 alleles (0.0025%); highest among the groups gnomAD compares: Middle Eastern, 0.016%; no homozygotes.

Submissions (2):

Labcorp Genetics (formerly Invitae), Labcorp
Classification: Uncertain significance. Last evaluated: 2024-02-16. Review status: criteria provided, single submitter. Criteria: Invitae Variant Classification Sherloc (09022015). Collection method: clinical testing. Allele origin: germline.
Comment: This sequence change replaces glycine, which is neutral and non-polar, with cysteine, which is neutral and slightly polar, at codon 174 of the TYRP1 protein (p.Gly174Cys). This variant is present in population databases (rs78071458, gnomAD 0.003%). This missense change has been observed in individual(s) with oculocutaneous albinism (PMID: 27734839). ClinVar contains an entry for this variant (Variation ID: 1415227). Advanced modeling of protein sequence and biophysical properties (such as structural, functional, and spatial information, amino acid conservation, physicochemical variation, residue mobility, and thermodynamic stability) performed at Invitae indicates that this missense variant is expected to disrupt TYRP1 protein function with a positive predictive value of 80%. In summary, the available evidence is currently insufficient to determine the role of this variant in disease. Therefore, it has been classified as a Variant of Uncertain Significance.

Fulgent Genetics
Classification: Uncertain significance for Oculocutaneous albinism type 3; MELANESIAN BLOND HAIR. Last evaluated: 2021-09-07. Review status: criteria provided, single submitter. Criteria: ACMG Guidelines, 2015. Collection method: clinical testing. Allele origin: unknown.

Literature cited by the submitters: PubMed 27734839 (cited by Labcorp Genetics (formerly Invitae), Labcorp).